The following is an entry in ClinVar:

NM_001025616.3(ARHGAP24):c.1025G>A (p.Gly342Glu)

Gene: ARHGAP24 (Rho GTPase activating protein 24; plus strand). Cytogenetic location: 4q21.23.
Variant type: single nucleotide variant.
Coding change: c.1025G>A on transcript NM_001025616.3 (MANE Select); coding-DNA position 1025, G replaced by A.
Protein change: p.Gly342Glu; replaces glycine 342 with glutamic acid.
Molecular consequence: missense variant.
Genome position (GRCh38, 1-based): chr4:85,994,679, G>A. VCF-style: chr4-85994679-G-A. GRCh37 (hg19) VCF-style: chr4-86915832-G-A.
Other names: c.740G>A, p.Gly247Glu (NM_001042669.2); c.770G>A, p.Gly257Glu (NM_001287805.2); c.446G>A, p.Gly149Glu (NM_001346093.2); c.746G>A, p.Gly249Glu (NM_031305.3); c.1025G>A (NM_001025616.2); short protein forms G149E, G249E, G257E, G342E, G247E.
Identifiers: ClinVar variation 2066725 (VCV002066725.6), dbSNP rs763554131, ClinGen allele CA2994657.

ClinVar aggregate classification (germline): Likely benign. Review status: criteria provided, single submitter (1 of 4 stars). 2 submissions from 2 submitters: Likely benign (1). 1 of the submissions does not count toward it. Last evaluated 2025-08-20.

Conditions:
ARHGAP24-related disorder. Also called: ARHGAP24-related condition.

Allele frequency attached by ClinVar (database versions not stated): gnomAD 0.00004; gnomAD exomes 0.00005; TOPMed 0.00011; ExAC 0.00016.
gnomAD v4.1: 77 of 1,614,022 alleles (0.0048%); highest among the groups gnomAD compares: Admixed American, 0.13%; no homozygotes.

Submissions (2):

Labcorp Genetics (formerly Invitae), Labcorp
Classification: Likely benign. Last evaluated: 2025-08-20. Review status: criteria provided, single submitter. Criteria: Invitae Variant Classification Sherloc (09022015). Collection method: clinical testing. Allele origin: germline.

PreventionGenetics, part of Exact Sciences
Classification: Likely benign for ARHGAP24-related condition. Last evaluated: 2022-02-23. Review status: no assertion criteria provided. Collection method: clinical testing. Allele origin: germline. Not counted in ClinVar's aggregate classification.
Comment: This variant is classified as likely benign based on ACMG/AMP sequence variant interpretation guidelines (Richards et al. 2015 PMID: 25741868, with internal and published modifications).